The following is an entry in ClinVar:

NM_001099922.3(ALG13):c.2797CCT[7] (p.Pro940_Pro945del)

Gene: ALG13 (ALG13 UDP-N-acetylglucosaminyltransferase subunit; plus strand). Cytogenetic location: Xq23.
Variant type: Microsatellite.
Coding change: c.2797CCT[7] on transcript NM_001099922.3 (MANE Select); seven copies in a row of the 3-base unit CCT starting at c.2797; the reference has 13 copies in a row; six copies, 18 bases deleted.
Protein change: p.Pro940_Pro945del.
Molecular consequence: inframe deletion. On other transcripts: intron variant (5).
Genome position (GRCh38, 1-based): chrX:111,744,790-111,744,807, CCTCCTCCTCCTCCTCCT deleted; deleting any 18 consecutive bases within chrX:111,744,769-111,744,807 gives the same sequence; the position shown is the placement nearest the transcript's 3' end. VCF-style (leftmost placement, unchanged base first): chrX-111744768-ACCTCCTCCTCCTCCTCCT-A. GRCh37 (hg19) VCF-style: chrX-110987996-ACCTCCTCCTCCTCCTCCT-A.
Other names: c.2563CCT[7], p.Pro862_Pro867del (NM_001257231.2); c.2383+7890CCT[7] (NM_001257237.2, NM_001257234.2, NM_001257230.2); c.2209+7890CCT[7] (NM_001324293.1); c.2695+7890CCT[7] (NM_001324292.2).
Identifiers: ClinVar variation 1059321 (VCV001059321.6), dbSNP rs56717389, ClinGen allele CA870050996.

ClinVar aggregate classification (germline): Uncertain significance (1 of 4 stars; one submission).

Conditions:
Developmental and epileptic encephalopathy, 36 (DEE36). Also called: Epileptic encephalopathy, early infantile, 36; Congenital disorder of glycosylation, type Is; ALG13-CDG. Identifiers: Orphanet 324422, MedGen C4317295, MONDO:0010472, OMIM 300884.

Submission:

Labcorp Genetics (formerly Invitae), Labcorp
Classification: Uncertain significance for Developmental and epileptic encephalopathy, 36. Last evaluated: 2025-12-05. Review status: criteria provided, single submitter. Criteria: Invitae Variant Classification Sherloc (09022015). Collection method: clinical testing. Allele origin: germline.
Comment: This variant, c.2818_2835del, results in the deletion of 6 amino acid(s) of the ALG13 protein (p.Pro940_Pro945del), but otherwise preserves the integrity of the reading frame. This variant is not present in population databases (gnomAD no frequency). This variant has not been reported in the literature in individuals affected with ALG13-related conditions. Experimental studies and prediction algorithms are not available or were not evaluated, and the functional significance of this variant is currently unknown. In summary, the available evidence is currently insufficient to determine the role of this variant in disease. Therefore, it has been classified as a Variant of Uncertain Significance.